The following is an entry in ClinVar:

ClinVar aggregate classification (germline): Benign/Likely benign. Review status: criteria provided, multiple submitters, no conflicts (2 of 4 stars). 3 submissions from 3 submitters: Benign (1); Likely benign (2). Last evaluated 2025-02-06.

Conditions:
Hereditary cancer-predisposing syndrome. Also called: Hereditary neoplastic syndrome; Neoplastic Syndromes, Hereditary; Tumor predisposition; Hereditary Cancer Syndrome. Identifiers: Orphanet 140162, MedGen C0027672, MeSH D009386, MONDO:0015356.
POLD1-related polyposis and colorectal cancer syndrome (CRCS10). Also called: Colorectal cancer, susceptibility to, 10; Colorectal cancer 10; COLORECTAL CANCER, SUSCEPTIBILITY TO, ON CHROMOSOME 19q. Identifiers: Orphanet 220460, MedGen C2675481, MONDO:0012953, OMIM 612591.

Allele frequency attached by ClinVar (database versions not stated): gnomAD exomes 0.00001.
gnomAD v4.1: 8 of 1,610,906 alleles (0.0005%); highest among the groups gnomAD compares: South Asian, 0.0044%; no homozygotes.

Submissions (3):

Myriad Genetics, Inc.
Classification: Benign for POLD1-related polyposis and colorectal cancer syndrome. Last evaluated: 2025-02-06. Review status: criteria provided, single submitter. Criteria: Myriad Autosomal Dominant, Autosomal Recessive and X-Linked Classification Criteria (2023). Collection method: clinical testing. Allele origin: unknown.
Comment: This variant is considered benign. This variant is a silent/synonymous amino acid change and it is not expected to impact splicing.

Ambry Genetics
Classification: Likely benign for Hereditary cancer-predisposing syndrome. Last evaluated: 2021-07-18. Review status: criteria provided, single submitter. Criteria: Ambry Variant Classification Scheme 2023. Collection method: clinical testing. Allele origin: germline.

Labcorp Genetics (formerly Invitae), Labcorp
Classification: Likely benign for POLD1-related polyposis and colorectal cancer syndrome. Last evaluated: 2020-06-13. Review status: criteria provided, single submitter. Criteria: Invitae Variant Classification Sherloc (09022015). Collection method: clinical testing. Allele origin: germline.

NM_002691.4(POLD1):c.1521C>T (p.Arg507=)

Gene: POLD1 (DNA polymerase delta 1, catalytic subunit; plus strand). Cytogenetic location: 19q13.33.
Variant type: single nucleotide variant.
Coding change: c.1521C>T on transcript NM_002691.4 (MANE Select); coding-DNA position 1521, C replaced by T.
Protein change: p.Arg507=; no amino-acid change (arginine 507 retained).
Molecular consequence: synonymous variant. On other transcripts: non-coding transcript variant (1).
Genome position (GRCh38, 1-based): chr19:50,407,009, C>T. VCF-style: chr19-50407009-C-T. GRCh37 (hg19) VCF-style: chr19-50910266-C-T.
Other names: c.1521C>T, p.Arg507= (NM_001256849.1, NM_001308632.1).
Identifiers: ClinVar variation 1124454 (VCV001124454.12), dbSNP rs1183909229, ClinGen allele CA508183954.
Genomic context (GRCh38, chr19:50,407,009, plus strand): 5'-CCTGGTCCCTGACCCCATCCGTGCCCATCCCCAGAATGGGAACGACCAGACCCGCCGCCG[C>T]CTGGCTGTGTACTGCCTGAAGGATGCCTACCTGCCACTGCGGCTGCTGGAGCGGCTCATG-3'
Protein context (NP_002682.2, residues 497-517): LQNGNDQTRR[Arg507=]LAVYCLKDAY